The following is an entry in ClinVar:

ClinVar aggregate classification (germline): Conflicting classifications of pathogenicity. Review status: criteria provided, conflicting classifications (1 of 4 stars). 6 submissions from 4 submitters: Uncertain significance (4); Likely benign (2). Last evaluated 2023-02-09.

Conditions:
Familial Mediterranean fever (FMF). Also called: Periodic peritonitis; Benign paroxysmal peritonitis; POLYSEROSITIS, FAMILIAL PAROXYSMAL; POLYSEROSITIS, RECURRENT. Identifiers: Orphanet 342, MedGen C0031069, MONDO:0018088, OMIM 249100. Disease mechanism: gain of function.
Familial Mediterranean fever, autosomal dominant. Also called: Dominant Familial Mediterranean Fever; FMF, AUTOSOMAL DOMINANT. Identifiers: Orphanet 342, MedGen C1851347, MONDO:0007601, OMIM 134610.
Acute febrile neutrophilic dermatosis (AFND). Also called: Sweet Syndrome; Gomm Button disease. Identifiers: Orphanet 3243, MedGen C0085077, MONDO:0011959, OMIM 608068.

Allele frequency attached by ClinVar (database versions not stated): ExAC 0.00001; gnomAD 0.00001; gnomAD exomes below 0.00001; TOPMed 0.00002.
gnomAD v4.1: 4 of 1,614,072 alleles (0.00025%); highest among the groups gnomAD compares: Admixed American, 0.0017%; no homozygotes.

Submissions (6):

Department of Pathology and Laboratory Medicine, Sinai Health System
Classification: Uncertain significance for Familial Mediterranean fever, autosomal dominant; Acute febrile neutrophilic dermatosis; Familial Mediterranean fever. Last evaluated: 2023-02-09. Review status: criteria provided, single submitter. Criteria: ACMG Guidelines, 2015. Collection method: research. Allele origin: germline.

Genome-Nilou Lab
Classification: Uncertain significance for Familial Mediterranean fever. Last evaluated: 2023-02-08. Review status: criteria provided, single submitter. Criteria: ACMG Guidelines, 2015. Collection method: clinical testing. Allele origin: germline.

Genome-Nilou Lab
Classification: Likely benign for Familial Mediterranean fever, autosomal dominant. Last evaluated: 2023-02-08. Review status: criteria provided, single submitter. Criteria: ACMG Guidelines, 2015. Collection method: clinical testing. Allele origin: germline.

Genome-Nilou Lab
Classification: Likely benign for Acute febrile neutrophilic dermatosis. Last evaluated: 2023-02-08. Review status: criteria provided, single submitter. Criteria: ACMG Guidelines, 2015. Collection method: clinical testing. Allele origin: germline.

Fulgent Genetics
Classification: Uncertain significance for Familial Mediterranean fever, autosomal dominant; Familial Mediterranean fever; Acute febrile neutrophilic dermatosis. Last evaluated: 2021-11-30. Review status: criteria provided, single submitter. Criteria: ACMG Guidelines, 2015. Collection method: clinical testing. Allele origin: unknown.

Labcorp Genetics (formerly Invitae), Labcorp
Classification: Uncertain significance for Familial Mediterranean fever. Last evaluated: 2021-09-17. Review status: criteria provided, single submitter. Criteria: Invitae Variant Classification Sherloc (09022015). Collection method: clinical testing. Allele origin: germline.
Comment: This sequence change replaces lysine with arginine at codon 23 of the MEFV protein (p.Lys23Arg). The lysine residue is moderately conserved and there is a small physicochemical difference between lysine and arginine. This variant is present in population databases (rs754679070, ExAC 0.009%). This variant has not been reported in the literature in individuals with MEFV-related conditions. Algorithms developed to predict the effect of missense changes on protein structure and function output the following: SIFT: "Deleterious"; PolyPhen-2: "Possibly Damaging"; Align-GVGD: "Class C0". The arginine amino acid residue is found in multiple mammalian species, suggesting that this missense change does not adversely affect protein function. These predictions have not been confirmed by published functional studies and their clinical significance is uncertain. In summary, the available evidence is currently insufficient to determine the role of this variant in disease. Therefore, it has been classified as a Variant of Uncertain Significance.

NM_000243.3(MEFV):c.68A>G (p.Lys23Arg)

Gene: MEFV (MEFV innate immunity regulator, pyrin; minus strand). Cytogenetic location: 16p13.3.
Variant type: single nucleotide variant.
Coding change: c.68A>G on transcript NM_000243.3 (MANE Select); coding-DNA position 68, A replaced by G.
Protein change: p.Lys23Arg; replaces lysine 23 with arginine.
Molecular consequence: missense variant.
Genome position (GRCh38, 1-based): chr16:3,256,520, T>C on the plus strand (A>G on the coding strand, the complement: MEFV is on the minus strand). VCF-style: chr16-3256520-T-C. GRCh37 (hg19) VCF-style: chr16-3306520-T-C.
Other names: c.68A>G, p.Lys23Arg (NM_001198536.2); short protein forms K23R.
Identifiers: ClinVar variation 1392560 (VCV001392560.7), dbSNP rs754679070, ClinGen allele CA7860541.